The following is an entry in ClinVar:

NM_015175.3(NBEAL2):c.4187G>A (p.Arg1396Gln)

Gene: NBEAL2 (neurobeachin like 2; plus strand). Cytogenetic location: 3p21.31.
Variant type: single nucleotide variant.
Coding change: c.4187G>A on transcript NM_015175.3 (MANE Select); coding-DNA position 4187, G replaced by A.
Protein change: p.Arg1396Gln; replaces arginine 1396 with glutamine.
Molecular consequence: missense variant.
Genome position (GRCh38, 1-based): chr3:47,000,286, G>A. VCF-style: chr3-47000286-G-A. GRCh37 (hg19) VCF-style: chr3-47041776-G-A.
Other names: c.4085G>A, p.Arg1362Gln (NM_001365116.2); short protein forms R1362Q, R1396Q.
Identifiers: ClinVar variation 4537282 (VCV004537282.1).

ClinVar aggregate classification (germline): Uncertain significance (1 of 4 stars; one submission).

gnomAD v4.1: 23 of 1,612,504 alleles (0.0014%); highest among the groups gnomAD compares: East Asian, 0.0067%; no homozygotes.

Submission:

Women's Health and Genetics/Laboratory Corporation of America, LabCorp
Classification: Uncertain significance. Last evaluated: 2025-11-28. Review status: criteria provided, single submitter. Criteria: LabCorp Variant Classification Summary - May 2015. Collection method: clinical testing. Allele origin: germline.
Comment: Variant summary: NBEAL2 c.4187G>A (p.Arg1396Gln) results in a conservative amino acid change in the encoded protein sequence. Algorithms developed to predict the effect of missense changes on protein structure and function are either unavailable or do not agree on the potential impact of this missense change. The variant allele was found at a frequency of 2e-05 in 247064 control chromosomes. The available data on variant occurrences in the general population are insufficient to allow any conclusion about variant significance. To our knowledge, no occurrence of c.4187G>A in individuals affected with NBEAL2-related conditions and no experimental evidence demonstrating its impact on protein function have been reported. No submitters have cited clinical-significance assessments for this variant to ClinVar. Based on the evidence outlined above, the variant was classified as uncertain significance.